The following is an entry in ClinVar:

ClinVar aggregate classification (germline): Uncertain significance (1 of 4 stars; one submission).

Conditions:
Muscular dystrophy-dystroglycanopathy type B6 (MDDGB6). Also called: MUSCULAR DYSTROPHY-DYSTROGLYCANOPATHY (CONGENITAL WITH IMPAIRED INTELLECTUAL DEVELOPMENT), TYPE B, 6; MUSCULAR DYSTROPHY, CONGENITAL, LARGE-RELATED; MUSCULAR DYSTROPHY, CONGENITAL, TYPE 1D. Identifiers: MedGen C1837229, MONDO:0012138, OMIM 608840.

Allele frequency attached by ClinVar (database versions not stated): ExAC 0.00001.

Submission:

Labcorp Genetics (formerly Invitae), Labcorp
Classification: Uncertain significance for Muscular dystrophy-dystroglycanopathy type B6. Last evaluated: 2023-03-09. Review status: criteria provided, single submitter. Criteria: Invitae Variant Classification Sherloc (09022015). Collection method: clinical testing. Allele origin: germline.
Comment: This sequence change replaces alanine, which is neutral and non-polar, with valine, which is neutral and non-polar, at codon 340 of the LARGE1 protein (p.Ala340Val). In summary, the available evidence is currently insufficient to determine the role of this variant in disease. Therefore, it has been classified as a Variant of Uncertain Significance. Advanced modeling of protein sequence and biophysical properties (such as structural, functional, and spatial information, amino acid conservation, physicochemical variation, residue mobility, and thermodynamic stability) has been performed at Invitae for this missense variant, however the output from this modeling did not meet the statistical confidence thresholds required to predict the impact of this variant on LARGE1 protein function. ClinVar contains an entry for this variant (Variation ID: 2416319). This variant has not been reported in the literature in individuals affected with LARGE1-related conditions. This variant is present in population databases (rs753421909, gnomAD no frequency).

NM_133642.5(LARGE1):c.1019C>T (p.Ala340Val)

Gene: LARGE1 (LARGE xylosyl- and glucuronyltransferase 1; minus strand). Cytogenetic location: 22q12.3.
Variant type: single nucleotide variant.
Coding change: c.1019C>T on transcript NM_133642.5 (MANE Select); coding-DNA position 1019, C replaced by T.
Protein change: p.Ala340Val; replaces alanine 340 with valine.
Molecular consequence: missense variant.
Genome position (GRCh38, 1-based): chr22:33,382,031, G>A on the plus strand (C>T on the coding strand, the complement: LARGE1 is on the minus strand). VCF-style: chr22-33382031-G-A. GRCh37 (hg19) VCF-style: chr22-33778017-G-A.
Other names: c.1019C>T, p.Ala340Val (NM_001362949.2, NM_001362951.2, NM_001362953.2 and 7 more transcripts); c.416C>T, p.Ala139Val (NM_001378630.1, NM_001378631.1); short protein forms A139V, A340V.
Identifiers: ClinVar variation 2416319 (VCV002416319.8), dbSNP rs753421909, ClinGen allele CA10202865.